The following is an entry in ClinVar:

NM_178857.6(RP1L1):c.5594G>A (p.Gly1865Glu)

Gene: RP1L1 (RP1 like 1). Cytogenetic location: 8p23.1.
Variant type: single nucleotide variant.
Coding change: c.5594G>A on transcript NM_178857.6 (MANE Select); coding-DNA position 5594, G replaced by A.
Protein change: p.Gly1865Glu; replaces glycine 1865 with glutamic acid.
Molecular consequence: missense variant.
Genome position (GRCh38, 1-based): chr8:10,608,504, C>T on the plus strand (G>A on the coding strand, the complement: RP1L1 is on the minus strand). VCF-style: chr8-10608504-C-T. GRCh37 (hg19) VCF-style: chr8-10466014-C-T.
Other names: short protein forms G1865E.
Identifiers: ClinVar variation 5039090 (VCV005039090.1).
Genomic context (GRCh38, chr8:10,608,504, plus strand): 5'-GGCTGGGCCTCTCCTTCTGCCTCTGGGGCCTCTACATCTTCTGACTCTGGCTGGGCCTCC[C>T]CTTCAGCCTCCTGGGCATCCCCTTCTGCCTCTGGGGCCTCTACACCTTCTGACTCTGGCT-3'
Protein context (NP_849188.4, residues 1855-1875): EAEGDAQEAE[Gly1865Glu]EAQPESEDVE

ClinVar aggregate classification (germline): Likely benign (1 of 4 stars; one submission).

gnomAD v4.1: 2 of 1,310,166 alleles (0.00015%); highest among the groups gnomAD compares: Non-Finnish European, 0.00022%; no homozygotes.

Submission:

CeGaT Center for Human Genetics Tuebingen
Classification: Likely benign. Last evaluated: 2026-07-01. Review status: criteria provided, single submitter. Criteria: CeGaT Center For Human Genetics Tuebingen Variant Classification Criteria Version 2. Collection method: clinical testing. Allele origin: germline. Affected: yes. Observed: 1 variant allele.
Comment: RP1L1: BP4